The following is an entry in ClinVar:

ClinVar aggregate classification (germline): Pathogenic (1 of 4 stars; one submission).

Conditions:
Mucopolysaccharidosis, MPS-II (MPS2). Also called: Hunter Syndrome; IDURONATE 2-SULFATASE DEFICIENCY; Mucopolysaccharidosis Type II; Mucopolysaccharidosis type 2; Attenuated MPS (subtype; formerly known as mild MPS II); Severe MPS II. Identifiers: Orphanet 580, Orphanet 79388, MedGen C0026705, MONDO:0010674, OMIM 309900.

Submission:

Laboratory of Diagnosis and Therapy of Lysosomal Disorders, University of Padova
Classification: Pathogenic for Mucopolysaccharidosis, MPS-II. Last evaluated: 2024-06-07. Review status: criteria provided, single submitter. Criteria: ACMG Guidelines, 2015. Collection method: literature only. Allele origin: germline. Affected: yes. Observed: 1 variant allele.
Comment: Null variant (PVS1_VeryStrong), Absent from controls (or at low frequency) in gnomAD database (PM2_Moderate), Patient’s phenotype or family history highly specific for the disease (PP4_Moderate)

Classification method: ACMG Guidelines [PMID:25741868] with modifications

Literature cited by the submitters: PubMed 27883178.

NM_000202.8(IDS):c.510_511del (p.Cys171fs)

Genes: IDS (iduronate 2-sulfatase; minus strand), LOC106050102 (IDS recombination region; plus strand). Cytogenetic location: Xq28.
Variant type: Deletion.
Coding change: c.510_511del on transcript NM_000202.8 (MANE Select); coding-DNA positions 510 to 511, 2 bases deleted (AT; older notation c.510_511delAT).
Protein change: p.Cys171fs; shifts the reading frame from cysteine 171.
Molecular consequence: frameshift variant. On other transcripts: non-coding transcript variant (1).
Genome position (GRCh38, 1-based): chrX:149,498,304-149,498,305, AT deleted on the plus strand (AT on the coding strand, the reverse complement: IDS is on the minus strand). VCF-style (leftmost placement, unchanged base first): chrX-149498303-CAT-C. GRCh37 (hg19) VCF-style: chrX-148579834-CAT-C.
Other names: c.240_241del, p.Cys81fs (NM_001166550.4); c.510_511del, p.Cys171fs (NM_006123.5); short protein forms C171fs, C81fs.
Identifiers: ClinVar variation 3255758 (VCV003255758.2).